The following is an entry in ClinVar:

ClinVar aggregate classification (germline): Uncertain significance. Review status: criteria provided, multiple submitters, no conflicts (2 of 4 stars). 2 submissions from 2 submitters: Uncertain significance (2). Last evaluated 2023-09-14.

Conditions:
Inborn genetic diseases. Identifiers: MedGen C0950123, MeSH D030342.
Early-infantile DEE. Also called: Early infantile epileptic encephalopathy; Early infantile epileptic encephalopathy with suppression bursts; Ohtahara syndrome. Identifiers: Orphanet 1934, MedGen C0393706, MONDO:0800491.

gnomAD v4.1: 1 of 1,613,874 alleles (0.000062%); highest among the groups gnomAD compares: African/African-American, 0.0013%; no homozygotes.

Submissions (2):

Ambry Genetics
Classification: Uncertain significance for Inborn genetic diseases. Last evaluated: 2023-09-14. Review status: criteria provided, single submitter. Criteria: Ambry Variant Classification Scheme 2023. Collection method: clinical testing. Allele origin: germline.

Labcorp Genetics (formerly Invitae), Labcorp
Classification: Uncertain significance for Early-infantile DEE. Last evaluated: 2022-11-15. Review status: criteria provided, single submitter. Criteria: Invitae Variant Classification Sherloc (09022015). Collection method: clinical testing. Allele origin: germline.
Comment: This variant has not been reported in the literature in individuals affected with HCN1-related conditions. In summary, the available evidence is currently insufficient to determine the role of this variant in disease. Therefore, it has been classified as a Variant of Uncertain Significance. Advanced modeling of protein sequence and biophysical properties (such as structural, functional, and spatial information, amino acid conservation, physicochemical variation, residue mobility, and thermodynamic stability) performed at Invitae indicates that this missense variant is not expected to disrupt HCN1 protein function. ClinVar contains an entry for this variant (Variation ID: 1518436). This variant is not present in population databases (gnomAD no frequency). This sequence change replaces proline, which is neutral and non-polar, with arginine, which is basic and polar, at codon 763 of the HCN1 protein (p.Pro763Arg).

NM_021072.4(HCN1):c.2288C>G (p.Pro763Arg)

Gene: HCN1 (hyperpolarization activated cyclic nucleotide gated potassium channel 1; minus strand). Cytogenetic location: 5p12.
Variant type: single nucleotide variant.
Coding change: c.2288C>G on transcript NM_021072.4 (MANE Select); coding-DNA position 2288, C replaced by G.
Protein change: p.Pro763Arg; replaces proline 763 with arginine.
Molecular consequence: missense variant.
Genome position (GRCh38, 1-based): chr5:45,262,306, G>C on the plus strand (C>G on the coding strand, the complement: HCN1 is on the minus strand). VCF-style: chr5-45262306-G-C. GRCh37 (hg19) VCF-style: chr5-45262408-G-C.
Other names: c.2288C>G (NM_021072.3); short protein forms P763R.
Identifiers: ClinVar variation 1518436 (VCV001518436.8), dbSNP rs1437053801, ClinGen allele CA359703650.